The following is an entry in ClinVar:

ClinVar aggregate classification (germline): Uncertain significance (1 of 4 stars; one submission).

Conditions:
Hereditary sensory and autonomic neuropathy type 6. Also called: Neuropathy, hereditary sensory and autonomic, type VI; HSAN VI. Identifiers: Orphanet 314381, MedGen C3539003, MONDO:0013839, OMIM 614653.
Epidermolysis bullosa simplex 3, localized or generalized intermediate, with BP230 deficiency (EBS3). Also called: Epidermolysis bullosa simplex, autosomal recessive 2; Epidermolysis bullosa simplex due to BP230 deficiency. Identifiers: Orphanet 412181, MedGen C3809470, MONDO:0014180, OMIM 615425.

Allele frequency attached by ClinVar (database versions not stated): gnomAD exomes 0.00001; TOPMed 0.00001.
gnomAD v4.1: 7 of 1,612,432 alleles (0.00043%); highest among the groups gnomAD compares: Non-Finnish European, 0.00059%; no homozygotes.

Submission:

Labcorp Genetics (formerly Invitae), Labcorp
Classification: Uncertain significance for Epidermolysis bullosa simplex 3, localized or generalized intermediate, with BP230 deficiency; Hereditary sensory and autonomic neuropathy type 6. Last evaluated: 2021-04-24. Review status: criteria provided, single submitter. Criteria: Invitae Variant Classification Sherloc (09022015). Collection method: clinical testing. Allele origin: germline.
Comment: This variant has not been reported in the literature in individuals with DST-related conditions. ClinVar contains an entry for this variant (Variation ID: 968489). This variant is not present in population databases (ExAC no frequency). This sequence change affects codon 1604 of the DST mRNA. It is a 'silent' change, meaning that it does not change the encoded amino acid sequence of the DST protein. The DST gene has multiple clinically relevant transcripts. The c.4812C>T variant occurs in alternate transcript NM_015548.4, which corresponds to NM_001723.5:c.*21809C>T in the primary transcript. In summary, the available evidence is currently insufficient to determine the role of this variant in disease. Therefore, it has been classified as a Variant of Uncertain Significance. Algorithms developed to predict the effect of sequence changes on RNA splicing suggest that this variant may create or strengthen a splice site, but this prediction has not been confirmed by published transcriptional studies.

NM_001374736.1(DST):c.12681C>T (p.Arg4227=)

Gene: DST (dystonin; minus strand). Cytogenetic location: 6p12.1.
Variant type: single nucleotide variant.
Coding change: c.12681C>T on transcript NM_001374736.1 (MANE Select); coding-DNA position 12681, C replaced by T.
Protein change: p.Arg4227=; no amino-acid change (arginine 4227 retained).
Molecular consequence: synonymous variant.
Genome position (GRCh38, 1-based): chr6:56,593,708, G>A on the plus strand (C>T on the coding strand, the complement: DST is on the minus strand). VCF-style: chr6-56593708-G-A. GRCh37 (hg19) VCF-style: chr6-56458506-G-A.
Other names: c.6324C>T, p.Arg2108= (NM_001144769.5); c.5910C>T, p.Arg1970= (NM_001144770.2); c.12681C>T, p.Arg4227= (NM_001374722.1); c.12048C>T, p.Arg4016= (NM_001374729.1); c.5790C>T, p.Arg1930= (NM_001374730.1, NM_183380.4); c.12708C>T, p.Arg4236= (NM_001374734.1); c.4812C>T, p.Arg1604= (NM_015548.5).
Identifiers: ClinVar variation 968489 (VCV000968489.7), dbSNP rs2098327553, ClinGen allele CA450488964.